The following is an entry in ClinVar:

NM_018006.5(TRMU):c.541_542dup (p.Gln182fs)

Gene: TRMU (tRNA mitochondrial 2-thiouridylase; plus strand). Cytogenetic location: 22q13.31.
Variant type: Duplication.
Coding change: c.541_542dup on transcript NM_018006.5 (MANE Select); coding-DNA positions 541 to 542, 2 bases duplicated (TC; older notation c.541_542dupTC).
Protein change: p.Gln182fs; shifts the reading frame from glutamine 182.
Molecular consequence: frameshift variant. On other transcripts: non-coding transcript variant (2).
Genome position (GRCh38, 1-based): chr22:46,350,353-46,350,354, TC duplicated. VCF-style (leftmost placement, unchanged base first): chr22-46350352-T-TTC. GRCh37 (hg19) VCF-style: chr22-46746249-T-TTC.
Other names: c.486_487dup, p.Pro163Leufs (NM_001008568.2); c.*79_*80dup (NM_001008570.2); c.199_200dup, p.Gln68fs (NM_001282782.2); c.121_122dup, p.Gln42fs (NM_001282783.2, NM_001282784.2); c.541_542dup, p.Gln182fs (NM_001282785.2); short protein forms Q182fs, Q42fs, Q68fs.
Identifiers: ClinVar variation 2130216 (VCV002130216.4), dbSNP rs2518178649, ClinGen allele CA2580099891.

ClinVar aggregate classification (germline): Pathogenic (1 of 4 stars; one submission).

Submission:

Labcorp Genetics (formerly Invitae), Labcorp
Classification: Pathogenic. Last evaluated: 2022-04-24. Review status: criteria provided, single submitter. Criteria: Invitae Variant Classification Sherloc (09022015). Collection method: clinical testing. Allele origin: germline.
Comment: For these reasons, this variant has been classified as Pathogenic. Algorithms developed to predict the effect of sequence changes on RNA splicing suggest that this variant may disrupt the consensus splice site. This variant has not been reported in the literature in individuals affected with TRMU-related conditions. This variant is not present in population databases (gnomAD no frequency). This sequence change creates a premature translational stop signal (p.Gln182Profs*5) in the TRMU gene. It is expected to result in an absent or disrupted protein product. Loss-of-function variants in TRMU are known to be pathogenic (PMID: 19732863, 23625533).

Literature cited by the submitters: PubMed 19732863; PubMed 23625533.